The following is an entry in ClinVar:

NM_000256.3(MYBPC3):c.2133G>A (p.Trp711Ter)

Gene: MYBPC3 (myosin binding protein C3; minus strand). Cytogenetic location: 11p11.2.
Variant type: single nucleotide variant.
Coding change: c.2133G>A on transcript NM_000256.3 (MANE Select); coding-DNA position 2133, G replaced by A.
Protein change: p.Trp711Ter; replaces tryptophan 711 with a stop codon.
Molecular consequence: nonsense.
Genome position (GRCh38, 1-based): chr11:47,339,339, C>T on the plus strand (G>A on the coding strand, the complement: MYBPC3 is on the minus strand). VCF-style: chr11-47339339-C-T. GRCh37 (hg19) VCF-style: chr11-47360890-C-T.
Other names: short protein forms W711*.
Identifiers: ClinVar variation 3297207 (VCV003297207.1).

ClinVar aggregate classification (germline): Pathogenic (1 of 4 stars; one submission).

Conditions:
Cardiovascular phenotype. Identifiers: MedGen CN230736.

Submission:

Ambry Genetics
Classification: Pathogenic for Cardiovascular phenotype. Last evaluated: 2024-04-09. Review status: criteria provided, single submitter. Criteria: Ambry Variant Classification Scheme 2023. Collection method: clinical testing. Allele origin: germline.
Comment: The p.W711* pathogenic mutation (also known as c.2133G>A), located in coding exon 22 of the MYBPC3 gene, results from a G to A substitution at nucleotide position 2133. This changes the amino acid from a tryptophan to a stop codon within coding exon 22. This mutation has been reported in association with hypertrophic cardiomyopathy (HCM) (N&uacute;&ntilde;ez L et al. Circ J, 2013 Jun;77:2358-65; Helms AS et al. Circ Genom Precis Med, 2020 Oct;13:396-405). This variant is considered to be rare based on population cohorts in the Genome Aggregation Database (gnomAD). In addition to the clinical data presented in the literature, this alteration is expected to result in loss of function by premature protein truncation or nonsense-mediated mRNA decay. As such, this alteration is interpreted as a disease-causing mutation.

Literature cited by the submitters: PubMed 23782526; PubMed 30297972; PubMed 32841044.